The following is an entry in ClinVar:

NM_001378454.1(ALMS1):c.6752A>G (p.Asp2251Gly)

Gene: ALMS1 (ALMS1 centrosome and basal body associated protein; plus strand). Cytogenetic location: 2p13.1.
Variant type: single nucleotide variant.
Coding change: c.6752A>G on transcript NM_001378454.1 (MANE Select); coding-DNA position 6752, A replaced by G.
Protein change: p.Asp2251Gly; replaces aspartic acid 2251 with glycine.
Molecular consequence: missense variant.
Genome position (GRCh38, 1-based): chr2:73,453,279, A>G. VCF-style: chr2-73453279-A-G. GRCh37 (hg19) VCF-style: chr2-73680406-A-G.
Other names: c.6755A>G, p.Asp2252Gly (NM_015120.4); short protein forms D2252G, D2251G.
Identifiers: ClinVar variation 241010 (VCV000241010.28), dbSNP rs28730855, ClinGen allele CA1714117.

ClinVar aggregate classification (germline): Benign/Likely benign. Review status: criteria provided, multiple submitters, no conflicts (2 of 4 stars). 10 submissions from 10 submitters: Benign (5); Likely benign (4). 1 of the submissions does not count toward it. Last evaluated 2026-02-02.

Conditions:
Monogenic diabetes. Identifiers: Orphanet 183625, MedGen C3888631, MONDO:0015967.
Cardiovascular phenotype. Identifiers: MedGen CN230736.
Alstrom syndrome (ALMS). Identifiers: Orphanet 64, MedGen C0268425, MONDO:0008763, OMIM 203800.

Allele frequency attached by ClinVar (database versions not stated): gnomAD exomes 0.00046 and 0.00120; ExAC 0.00147; 1000 Genomes Project 0.00379; gnomAD 0.00467 and 0.00515; 1000 Genomes Project 30x 0.00468; ESP Exome Variant Server 0.00515; TOPMed 0.00542.
gnomAD v4.1: 1,417 of 1,614,006 alleles (0.088%); highest among the groups gnomAD compares: African/African-American, 1.6%; 12 homozygotes.

Submissions (10):

Labcorp Genetics (formerly Invitae), Labcorp
Classification: Benign for Alstrom syndrome. Last evaluated: 2026-02-02. Review status: criteria provided, single submitter. Criteria: Invitae Variant Classification Sherloc (09022015). Collection method: clinical testing. Allele origin: germline.

ARUP Laboratories, Molecular Genetics and Genomics, ARUP Laboratories
Classification: Likely benign for Alstrom syndrome. Last evaluated: 2025-05-14. Review status: criteria provided, single submitter. Criteria: ARUP Molecular Germline Variant Investigation Process 2024. Collection method: clinical testing. Allele origin: germline.

Blueprint Genetics
Classification: Likely benign. Last evaluated: 2024-11-13. Review status: criteria provided, single submitter. Criteria: ACMG Guidelines, 2015. Collection method: clinical testing. Allele origin: germline.

GeneDx
Classification: Benign. Last evaluated: 2019-02-22. Review status: criteria provided, single submitter. Criteria: GeneDx Variant Classification Process June 2021. Collection method: clinical testing. Allele origin: germline. Affected: yes.

Ambry Genetics
Classification: Benign for Cardiovascular phenotype. Last evaluated: 2019-01-14. Review status: criteria provided, single submitter. Criteria: Ambry Variant Classification Scheme 2023. Collection method: clinical testing. Allele origin: germline.

Genetic Services Laboratory, University of Chicago
Classification: Benign. Last evaluated: 2018-09-27. Review status: criteria provided, single submitter. Criteria: ACMG Guidelines, 2015. Collection method: clinical testing. Allele origin: germline. Affected: no.

Personalized Diabetes Medicine Program, University of Maryland School of Medicine
Classification: Benign for Monogenic diabetes. Last evaluated: 2018-09-07. Review status: criteria provided, single submitter. Criteria: ACMG Guidelines, 2015. Collection method: research. Allele origin: unknown. Observed: 2 variant alleles, 2 heterozygotes.
Comment: ACMG criteria: BP4 (REVEL 0.018 + 8 predictors), BP1, BS2 (5 homozygotes in gnomAD), BA1 (1.7% MAF in gnomAD)=Benign

Center for Pediatric Genomic Medicine, Children's Mercy Hospital and Clinics
Classification: Likely benign. Last evaluated: 2017-05-08. Review status: criteria provided, single submitter. Criteria: ACMG Guidelines, 2015. Collection method: clinical testing. Allele origin: germline.

Clinical Genomics, Uppaluri K&H Personalized Medicine Clinic
Classification: Likely benign for Alstrom syndrome. Review status: criteria provided, single submitter. Criteria: K & H Uppaluri Personalized Medicine Clinic Variant Classification & Assertion Criteria_Updated V.1. Collection method: research. Allele origin: unknown. Inheritance: Autosomal recessive inheritance.
Comment: Potent mutations in ALMS1 are associated with a rare condition called Alstrom syndrome. It can cause excessive eating, insulin resistance. However, no evidence is found to ascertain the role of rs28730855 in Alstrom syndrome yet.

Natera, Inc.
Classification: Benign for Alstrom syndrome. Last evaluated: 2019-12-06. Review status: no assertion criteria provided. Collection method: clinical testing. Allele origin: germline. Not counted in ClinVar's aggregate classification.

Literature cited by the submitters: PubMed 34148947 (cited by Clinical Genomics, Uppaluri K&H Personalized Medicine Clinic); PubMed 25846608 (cited by Clinical Genomics, Uppaluri K&H Personalized Medicine Clinic); PubMed 30421101 (cited by Clinical Genomics, Uppaluri K&H Personalized Medicine Clinic); PubMed 33669459 (cited by Clinical Genomics, Uppaluri K&H Personalized Medicine Clinic).